The following is an entry in ClinVar:

ClinVar aggregate classification (germline): Uncertain significance (1 of 4 stars; one submission).

Conditions:
Bethlem myopathy 1A. Also called: MYOPATHY, BENIGN CONGENITAL, WITH CONTRACTURES; Bethlem myopathy 1; Bethlem Muscular Dystrophy. Identifiers: Orphanet 610, MedGen CN029274, MONDO:0024530, OMIM 158810.

Submission:

Labcorp Genetics (formerly Invitae), Labcorp
Classification: Uncertain significance for Bethlem myopathy 1A. Last evaluated: 2019-08-21. Review status: criteria provided, single submitter. Criteria: Invitae Variant Classification Sherloc (09022015). Collection method: clinical testing. Allele origin: germline.
Comment: This sequence change replaces asparagine with aspartic acid at codon 194 of the COL6A3 protein (p.Asn194Asp). The asparagine residue is weakly conserved and there is a small physicochemical difference between asparagine and aspartic acid. This variant is not present in population databases (ExAC no frequency). This variant has not been reported in the literature in individuals with COL6A3-related conditions. Algorithms developed to predict the effect of missense changes on protein structure and function output the following: SIFT: "Tolerated"; PolyPhen-2: "Benign"; Align-GVGD: "Class C0". The aspartic acid amino acid residue is found in multiple mammalian species, suggesting that this missense change does not adversely affect protein function. These predictions have not been confirmed by published functional studies and their clinical significance is uncertain. In summary, the available evidence is currently insufficient to determine the role of this variant in disease. Therefore, it has been classified as a Variant of Uncertain Significance.

NM_004369.4(COL6A3):c.580A>G (p.Asn194Asp)

Gene: COL6A3 (collagen type VI alpha 3 chain; minus strand). Cytogenetic location: 2q37.3.
Variant type: single nucleotide variant.
Coding change: c.580A>G on transcript NM_004369.4 (MANE Select); coding-DNA position 580, A replaced by G.
Protein change: p.Asn194Asp; replaces asparagine 194 with aspartic acid.
Molecular consequence: missense variant. On other transcripts: intron variant (4).
Genome position (GRCh38, 1-based): chr2:237,394,716, T>C on the plus strand (A>G on the coding strand, the complement: COL6A3 is on the minus strand). VCF-style: chr2-237394716-T-C. GRCh37 (hg19) VCF-style: chr2-238303359-T-C.
Other names: c.91+2011A>G (NM_057166.5, NM_057167.4, NM_057164.5 and 1 more transcripts); short protein forms N194D.
Identifiers: ClinVar variation 859977 (VCV000859977.10), dbSNP rs2078384466, ClinGen allele CA351226731.